The following is an entry in ClinVar:

ClinVar aggregate classification (germline): Pathogenic/Likely pathogenic. Review status: criteria provided, multiple submitters, no conflicts (2 of 4 stars). 5 submissions from 5 submitters: Pathogenic (3); Likely pathogenic (1). 1 of the submissions does not count toward it. Last evaluated 2023-06-01.

Conditions:
Immunodeficiency 73b with defective neutrophil chemotaxis and lymphopenia. Identifiers: MedGen C5436549, MONDO:0033554, OMIM 618986.
Neutrophil immunodeficiency syndrome. Also called: Immunodeficiency 73A with defective neutrophil chemotaxis and leukocytosis. Identifiers: Orphanet 183707, MedGen C1842398, MONDO:0011988, OMIM 608203.
Immunodeficiency 73c with defective neutrophil chemotaxis and hypogammaglobulinemia. Identifiers: MedGen C5436550, MONDO:0033555, OMIM 618987.

Allele frequency attached by ClinVar (database versions not stated): gnomAD exomes below 0.00001.
gnomAD v4.1: 1 of 1,614,088 alleles (0.000062%); highest among the groups gnomAD compares: Non-Finnish European, 0.000085%; no homozygotes.

Submissions (5):

CeGaT Center for Human Genetics Tuebingen
Classification: Pathogenic. Last evaluated: 2023-06-01. Review status: criteria provided, single submitter. Criteria: CeGaT Center For Human Genetics Tuebingen Variant Classification Criteria Version 2. Collection method: clinical testing. Allele origin: germline. Affected: yes. Observed: 4 variant alleles.
Comment: RAC2: PS2:Very Strong, PM2, PS4:Moderate, PP3, PS3:Supporting

Labcorp Genetics (formerly Invitae), Labcorp
Classification: Pathogenic for Neutrophil immunodeficiency syndrome. Last evaluated: 2022-05-31. Review status: criteria provided, single submitter. Criteria: Invitae Variant Classification Sherloc (09022015). Collection method: clinical testing. Allele origin: germline.
Comment: Experimental studies have shown that this missense change affects RAC2 function (PMID: 30723080). This sequence change replaces glutamic acid, which is acidic and polar, with lysine, which is basic and polar, at codon 62 of the RAC2 protein (p.Glu62Lys). For these reasons, this variant has been classified as Pathogenic. Advanced modeling of protein sequence and biophysical properties (such as structural, functional, and spatial information, amino acid conservation, physicochemical variation, residue mobility, and thermodynamic stability) performed at Invitae indicates that this missense variant is expected to disrupt RAC2 protein function. ClinVar contains an entry for this variant (Variation ID: 464885). This missense change has been observed in individual(s) with autosomal dominant combined immunodeficiency (PMID: 30723080; Invitae). In at least one individual the variant was observed to be de novo. This variant is not present in population databases (gnomAD no frequency).

Center for Personalized Medicine, Children's Hospital Los Angeles
Classification: Likely pathogenic. Last evaluated: 2018-11-19. Review status: criteria provided, single submitter. Criteria: ACMG Guidelines, 2015. Collection method: clinical testing. Allele origin: germline. Affected: yes.

Center for Genomics, Ann and Robert H. Lurie Children's Hospital of Chicago
Classification: Pathogenic for Neutrophil immunodeficiency syndrome; Immunodeficiency 73c with defective neutrophil chemotaxis and hypogammaglobulinemia; Immunodeficiency 73b with defective neutrophil chemotaxis and lymphopenia. Review status: criteria provided, single submitter. Criteria: ACMG Guidelines, 2015. Collection method: clinical testing. Allele origin: germline.
Comment: RAC2:NM_002872:exon3, p.Glu62Lys (c.184G>A): This variant has been reported in 1 individual with suspected Combined Immune Deficiency (CID) as de novo (Hsu 2016) and is not present in large control databases. In summary, data on this variant is highly suspicious for disease, but requires further evidence for pathogenicity. Therefore, this variant classified as likely pathogenic.

OMIM
Classification: Pathogenic for IMMUNODEFICIENCY 73B WITH DEFECTIVE NEUTROPHIL CHEMOTAXIS AND LYMPHOPENIA. Last evaluated: 2020-08-24. Review status: no assertion criteria provided. Collection method: literature only. Allele origin: germline. Not counted in ClinVar's aggregate classification.

Literature cited by the submitters: PubMed 30723080 (cited by Labcorp Genetics (formerly Invitae), Labcorp and OMIM); Smits, B. M., Lelieveld, P. H. C., Ververs, F. A., Turkenburg, M., de Koning, C., van Dijk, M., Leavis, H. L., Boelens, J. J., Lindemans, C. A., Bloem, A. C., van de Corput, L., van Montfrans, J., Nierkens, S., van Gijn, M. E., Geerke, D. P., Waterham, H. R., Koenderman, L., Boes, M. A dominant activating RAC2 variant associated with immunodeficiency and pulmonary disease. (Letter) Clin. Immun. 212: 108248, 2020. Note: Electronic Article. (cited by OMIM).

NM_002872.5(RAC2):c.184G>A (p.Glu62Lys)

Gene: RAC2 (Rac family small GTPase 2; minus strand). Cytogenetic location: 22q13.1.
Variant type: single nucleotide variant.
Coding change: c.184G>A on transcript NM_002872.5 (MANE Select); coding-DNA position 184, G replaced by A.
Protein change: p.Glu62Lys; replaces glutamic acid 62 with lysine.
Molecular consequence: missense variant.
Genome position (GRCh38, 1-based): chr22:37,232,842, C>T on the plus strand (G>A on the coding strand, the complement: RAC2 is on the minus strand). VCF-style: chr22-37232842-C-T. GRCh37 (hg19) VCF-style: chr22-37628882-C-T.
Other names: short protein forms E62K.
Identifiers: ClinVar variation 464885 (VCV000464885.57), dbSNP rs1555908409, ClinGen allele CA411443397.